The following is an entry in ClinVar:

ClinVar aggregate classification (germline): Uncertain significance. Review status: criteria provided, multiple submitters, no conflicts (2 of 4 stars). 3 submissions from 3 submitters: Uncertain significance (3). Last evaluated 2023-12-15.

Conditions:
Andersen Tawil syndrome (LQT7). Also called: LONG QT SYNDROME 7; PERIODIC PARALYSIS, POTASSIUM-SENSITIVE CARDIODYSRHYTHMIC TYPE; ANDERSEN CARDIODYSRHYTHMIC PERIODIC PARALYSIS; Andersen Syndrome; Potassium-sensitive periodic paralysis, ventricular ectopy, and dysmorphic features. Identifiers: Orphanet 37553, MedGen C1563715, MONDO:0008222, OMIM 170390.
Short QT syndrome type 3. Identifiers: Orphanet 51083, MedGen C1865018, MONDO:0012314, OMIM 609622.
Cardiovascular phenotype. Identifiers: MedGen CN230736.

Allele frequency attached by ClinVar (database versions not stated): gnomAD exomes below 0.00001; TOPMed below 0.00001; gnomAD 0.00001.
gnomAD v4.1: 3 of 1,614,106 alleles (0.00019%); highest among the groups gnomAD compares: Non-Finnish European, 0.00025%; no homozygotes.

Submissions (3):

Ambry Genetics
Classification: Uncertain significance for Cardiovascular phenotype. Last evaluated: 2023-12-15. Review status: criteria provided, single submitter. Criteria: Ambry Variant Classification Scheme 2023. Collection method: clinical testing. Allele origin: germline.
Comment: The p.M84T variant (also known as c.251T>C), located in coding exon 1 of the KCNJ2 gene, results from a T to C substitution at nucleotide position 251. The methionine at codon 84 is replaced by threonine, an amino acid with similar properties. This amino acid position is highly conserved in available vertebrate species. In addition, this alteration is predicted to be deleterious by in silico analysis. Since supporting evidence is limited at this time, the clinical significance of this alteration remains unclear.

Labcorp Genetics (formerly Invitae), Labcorp
Classification: Uncertain significance for Short QT syndrome type 3; Andersen Tawil syndrome. Last evaluated: 2023-03-22. Review status: criteria provided, single submitter. Criteria: Invitae Variant Classification Sherloc (09022015). Collection method: clinical testing. Allele origin: germline.
Comment: This variant is not present in population databases (gnomAD no frequency). This sequence change replaces methionine, which is neutral and non-polar, with threonine, which is neutral and polar, at codon 84 of the KCNJ2 protein (p.Met84Thr). This variant has not been reported in the literature in individuals affected with KCNJ2-related conditions. ClinVar contains an entry for this variant (Variation ID: 2196897). Advanced modeling of protein sequence and biophysical properties (such as structural, functional, and spatial information, amino acid conservation, physicochemical variation, residue mobility, and thermodynamic stability) performed at Invitae indicates that this missense variant is not expected to disrupt KCNJ2 protein function. In summary, the available evidence is currently insufficient to determine the role of this variant in disease. Therefore, it has been classified as a Variant of Uncertain Significance.

ARUP Laboratories, Molecular Genetics and Genomics, ARUP Laboratories
Classification: Uncertain significance. Last evaluated: 2022-09-12. Review status: criteria provided, single submitter. Criteria: ARUP Molecular Germline Variant Investigation Process 2021. Collection method: clinical testing. Allele origin: germline.
Comment: The KCNJ2 c.251T>C; p.Met84Thr variant (rs1415820562), to our knowledge, is not reported in the medical literature or gene specific databases. This variant is also absent from the Genome Aggregation Database, indicating it is not a common polymorphism. The methionine at codon 84 is highly conserved, and computational analyses predict that this variant is deleterious (REVEL: 0.824). However, given the lack of clinical and functional data, the significance of the p.Met84Thr variant is uncertain at this time.

NM_000891.3(KCNJ2):c.251T>C (p.Met84Thr)

Gene: KCNJ2 (potassium inwardly rectifying channel subfamily J member 2; plus strand). Cytogenetic location: 17q24.3.
Variant type: single nucleotide variant.
Coding change: c.251T>C on transcript NM_000891.3 (MANE Select); coding-DNA position 251, T replaced by C.
Protein change: p.Met84Thr; replaces methionine 84 with threonine.
Molecular consequence: missense variant.
Genome position (GRCh38, 1-based): chr17:70,175,290, T>C. VCF-style: chr17-70175290-T-C. GRCh37 (hg19) VCF-style: chr17-68171431-T-C.
Other names: short protein forms M84T.
Identifiers: ClinVar variation 2196897 (VCV002196897.8), dbSNP rs1415820562, ClinGen allele CA400860195.